The following is an entry in ClinVar:

ClinVar aggregate classification (germline): Uncertain significance (1 of 4 stars; one submission).

Conditions:
Familial cancer of breast. Also called: BREAST CANCER, FAMILIAL; Hereditary breast cancer; hereditary breast carcinoma. Identifiers: Orphanet 227535, MedGen C0346153, MONDO:0016419, OMIM 114480. Disease mechanism: loss of function.

Submission:

Labcorp Genetics (formerly Invitae), Labcorp
Classification: Uncertain significance for Familial cancer of breast. Last evaluated: 2021-08-28. Review status: criteria provided, single submitter. Criteria: Invitae Variant Classification Sherloc (09022015). Collection method: clinical testing. Allele origin: germline.
Comment: This sequence change replaces asparagine with serine at codon 450 of the BARD1 protein (p.Asn450Ser). The asparagine residue is moderately conserved and there is a small physicochemical difference between asparagine and serine. This variant is not present in population databases (ExAC no frequency). This variant has not been reported in the literature in individuals affected with BARD1-related conditions. Algorithms developed to predict the effect of missense changes on protein structure and function output the following: SIFT: "Tolerated"; PolyPhen-2: "Benign"; Align-GVGD: "Class C0". The serine amino acid residue is found in multiple mammalian species, which suggests that this missense change does not adversely affect protein function. In summary, the available evidence is currently insufficient to determine the role of this variant in disease. Therefore, it has been classified as a Variant of Uncertain Significance.

NM_000465.4(BARD1):c.1349A>G (p.Asn450Ser)

Gene: BARD1 (BRCA1 associated RING domain 1; minus strand). Cytogenetic location: 2q35.
Variant type: single nucleotide variant.
Coding change: c.1349A>G on transcript NM_000465.4 (MANE Select); coding-DNA position 1349, A replaced by G.
Protein change: p.Asn450Ser; replaces asparagine 450 with serine.
Molecular consequence: missense variant. On other transcripts: non-coding transcript variant (3), intron variant (3).
Genome position (GRCh38, 1-based): chr2:214,769,278, T>C on the plus strand (A>G on the coding strand, the complement: BARD1 is on the minus strand). VCF-style: chr2-214769278-T-C. GRCh37 (hg19) VCF-style: chr2-215634002-T-C.
Other names: c.1292A>G, p.Asn431Ser (NM_001282543.2); c.159-16723A>G (NM_001282548.2); c.216-16723A>G (NM_001282545.2); c.364+23019A>G (NM_001282549.2); short protein forms N431S, N450S.
Identifiers: ClinVar variation 959577 (VCV000959577.8), dbSNP rs1694362231, ClinGen allele CA350450384.
Genomic context (GRCh38, chr2:214,769,278, plus strand): 5'-AACCAGACAACTACCAATGGTGTCCATCCAGCATGGTCTTTAACATTTGGATCACTTCCA[T>C]TTTGTAAAAGGTATTCAACAGAAGGTATGTCGCCCTAGAAAAATGAACAAAACGGAAATT-3'
Protein context (NP_000456.2, residues 440-460): DIPSVEYLLQ[Asn450Ser]GSDPNVKDHA